The following is an entry in ClinVar:

NM_005337.5(NCKAP1L):c.2920C>T (p.Pro974Ser)

Gene: NCKAP1L (NCK associated protein 1 like; plus strand). Cytogenetic location: 12q13.2.
Variant type: single nucleotide variant.
Coding change: c.2920C>T on transcript NM_005337.5 (MANE Select); coding-DNA position 2920, C replaced by T.
Protein change: p.Pro974Ser; replaces proline 974 with serine.
Molecular consequence: missense variant.
Genome position (GRCh38, 1-based): chr12:54,535,161, C>T. VCF-style: chr12-54535161-C-T. GRCh37 (hg19) VCF-style: chr12-54928945-C-T.
Other names: c.2770C>T, p.Pro924Ser (NM_001184976.2); short protein forms P974S, P924S.
Identifiers: ClinVar variation 2183305 (VCV002183305.4), dbSNP rs1409407621, ClinGen allele CA385144194.

ClinVar aggregate classification (germline): Uncertain significance (1 of 4 stars; one submission).

Allele frequency attached by ClinVar (database versions not stated): TOPMed below 0.00001; gnomAD 0.00001.
gnomAD v4.1: 4 of 1,613,478 alleles (0.00025%); highest among the groups gnomAD compares: Non-Finnish European, 0.00034%; no homozygotes.

Submission:

Labcorp Genetics (formerly Invitae), Labcorp
Classification: Uncertain significance. Last evaluated: 2022-06-26. Review status: criteria provided, single submitter. Criteria: Invitae Variant Classification Sherloc (09022015). Collection method: clinical testing. Allele origin: germline.
Comment: This sequence change replaces proline, which is neutral and non-polar, with serine, which is neutral and polar, at codon 974 of the NCKAP1L protein (p.Pro974Ser). In summary, the available evidence is currently insufficient to determine the role of this variant in disease. Therefore, it has been classified as a Variant of Uncertain Significance. Algorithms developed to predict the effect of missense changes on protein structure and function are either unavailable or do not agree on the potential impact of this missense change (SIFT: "Tolerated"; PolyPhen-2: "Probably Damaging"; Align-GVGD: "Class C0"). This variant has not been reported in the literature in individuals affected with NCKAP1L-related conditions. This variant is not present in population databases (gnomAD no frequency).